The following is an entry in ClinVar:

ClinVar aggregate classification (germline): Uncertain significance. Review status: criteria provided, multiple submitters, no conflicts (2 of 4 stars). 2 submissions from 2 submitters: Uncertain significance (2). Last evaluated 2025-01-08.

Conditions:
DICER1-related tumor predisposition. Also called: DICER1 syndrome; DICER1-related pleuropulmonary blastoma cancer predisposition syndrome. Identifiers: Orphanet 284343, MedGen C3839822, MONDO:0100216.
Hereditary cancer-predisposing syndrome. Also called: Hereditary neoplastic syndrome; Neoplastic Syndromes, Hereditary; Tumor predisposition; Hereditary Cancer Syndrome. Identifiers: Orphanet 140162, MedGen C0027672, MeSH D009386, MONDO:0015356.

Submissions (2):

Ambry Genetics
Classification: Uncertain significance for Hereditary cancer-predisposing syndrome. Last evaluated: 2025-01-08. Review status: criteria provided, single submitter. Criteria: Ambry Variant Classification Scheme 2023. Collection method: clinical testing. Allele origin: germline.
Comment: The p.T798S variant (also known as c.2393C>G), located in coding exon 14 of the DICER1 gene, results from a C to G substitution at nucleotide position 2393. The threonine at codon 798 is replaced by serine, an amino acid with similar properties. This amino acid position is conserved. In addition, the in silico prediction for this alteration is inconclusive. Based on the available evidence, the clinical significance of this variant remains unclear.

Labcorp Genetics (formerly Invitae), Labcorp
Classification: Uncertain significance for DICER1-related tumor predisposition. Last evaluated: 2022-08-07. Review status: criteria provided, single submitter. Criteria: Invitae Variant Classification Sherloc (09022015). Collection method: clinical testing. Allele origin: germline.
Comment: In summary, the available evidence is currently insufficient to determine the role of this variant in disease. Therefore, it has been classified as a Variant of Uncertain Significance. Algorithms developed to predict the effect of missense changes on protein structure and function are either unavailable or do not agree on the potential impact of this missense change (SIFT: "Tolerated"; PolyPhen-2: "Probably Damaging"; Align-GVGD: "Class C0"). This variant has not been reported in the literature in individuals affected with DICER1-related conditions. This variant is not present in population databases (gnomAD no frequency). This sequence change replaces threonine, which is neutral and polar, with serine, which is neutral and polar, at codon 798 of the DICER1 protein (p.Thr798Ser).

NM_177438.3(DICER1):c.2393C>G (p.Thr798Ser)

Gene: DICER1 (dicer 1, ribonuclease III; minus strand). Cytogenetic location: 14q32.13.
Variant type: single nucleotide variant.
Coding change: c.2393C>G on transcript NM_177438.3 (MANE Select); coding-DNA position 2393, C replaced by G.
Protein change: p.Thr798Ser; replaces threonine 798 with serine.
Molecular consequence: missense variant. On other transcripts: non-coding transcript variant (6).
Genome position (GRCh38, 1-based): chr14:95,108,367, G>C on the plus strand (C>G on the coding strand, the complement: DICER1 is on the minus strand). VCF-style: chr14-95108367-G-C. GRCh37 (hg19) VCF-style: chr14-95574704-G-C.
Other names: c.2393C>G, p.Thr798Ser (NM_001195573.1, NM_001271282.3, NM_001291628.2 and 13 more transcripts); c.2111C>G, p.Thr704Ser (NM_001395686.1); c.1988C>G, p.Thr663Ser (NM_001395687.1, NM_001395688.1, NM_001395689.1 and 2 more transcripts); c.1826C>G, p.Thr609Ser (NM_001395691.1); c.710C>G, p.Thr237Ser (NM_001395697.1); short protein forms T704S, T237S, T609S, T663S, T798S.
Identifiers: ClinVar variation 1975346 (VCV001975346.6), dbSNP rs1891647697, ClinGen allele CA390882139.